The following is an entry in ClinVar:

ClinVar aggregate classification (germline): Uncertain significance (1 of 4 stars; one submission).

Submission:

GeneDx
Classification: Uncertain significance. Last evaluated: 2022-08-11. Review status: criteria provided, single submitter. Criteria: GeneDx Variant Classification Process June 2021. Collection method: clinical testing. Allele origin: germline. Affected: yes.
Comment: In-frame deletion of 1 amino acids in a non-repeat region; Not observed at significant frequency in large population cohorts (gnomAD); In silico analysis supports a deleterious effect on protein structure/function; Has not been previously published as pathogenic or benign to our knowledge

NM_000142.5(FGFR3):c.1304CAC[1] (p.Pro436del)

Gene: FGFR3 (fibroblast growth factor receptor 3; plus strand). Cytogenetic location: 4p16.3.
Variant type: Microsatellite.
Coding change: c.1304CAC[1] on transcript NM_000142.5 (MANE Select); one copy of the 3-base unit CAC starting at c.1304; the reference has two copies in a row; one copy, 3 bases deleted; also written c.1307_1309del.
Protein change: p.Pro436del; deletes proline 436.
Molecular consequence: inframe deletion. On other transcripts: frameshift variant (2), non-coding transcript variant (1).
Genome position (GRCh38, 1-based): chr4:1,804,864-1,804,866, CAC deleted; deleting any 3 consecutive bases within chr4:1,804,861-1,804,866 gives the same sequence; the position shown is the placement nearest the transcript's 3' end. VCF-style (leftmost placement, unchanged base first): chr4-1804860-ACAC-A. GRCh37 (hg19) VCF-style: chr4-1806587-ACAC-A.
Other names: c.1302_1304CAC[1], p.Pro436Glyfs (NM_000142.4); c.1310CAC[1], p.Pro438del (NM_001163213.2); c.1307CAC[1], p.Pro437del (NM_001354809.2, NM_001354810.2); c.968CAC[1], p.Pro324del (NM_022965.4); c.1307_1309del (NM_000142.4); short protein forms P324del, P436del, P437del, P438del.
Identifiers: ClinVar variation 2429546 (VCV002429546.1), dbSNP rs2546824970, ClinGen allele CA2580616083.